The following is an entry in ClinVar:

NM_015474.4(SAMHD1):c.1086G>A (p.Met362Ile)

Gene: SAMHD1 (SAM and HD domain containing deoxynucleoside triphosphate triphosphohydrolase 1; minus strand). Cytogenetic location: 20q11.23.
Variant type: single nucleotide variant.
Coding change: c.1086G>A on transcript NM_015474.4 (MANE Select); coding-DNA position 1086, G replaced by A.
Protein change: p.Met362Ile; replaces methionine 362 with isoleucine.
Molecular consequence: missense variant.
Genome position (GRCh38, 1-based): chr20:36,912,529, C>T on the plus strand (G>A on the coding strand, the complement: SAMHD1 is on the minus strand). VCF-style: chr20-36912529-C-T. GRCh37 (hg19) VCF-style: chr20-35540932-C-T.
Other names: c.1086G>A, p.Met362Ile (NM_001363729.2, NM_001363733.2); short protein forms M362I.
Identifiers: ClinVar variation 1345110 (VCV001345110.8), dbSNP rs2148365764, ClinGen allele CA408844346.
Genomic context (GRCh38, chr20:36,912,529, plus strand): 5'-AATAATGTTGCCAACTTTGTGTTGATAAGCTCTACGGTGTAAAGAGTTGCGAGTGTGGAA[C>T]ATGTCATACAGATTTCCAACTTCCTGCAGGAAAACATGAAGTAAATATTAATAGGATCAG-3'
Protein context (NP_056289.2, residues 352-372): RDKEVGNLYD[Met362Ile]FHTRNSLHRR

ClinVar aggregate classification (germline): Uncertain significance (1 of 4 stars; one submission).

Conditions:
Aicardi-Goutieres syndrome 5. Identifiers: Orphanet 51, MedGen C2749659, MONDO:0013059, OMIM 612952.

gnomAD v4.1: 2 of 1,612,596 alleles (0.00012%); highest among the groups gnomAD compares: Non-Finnish European, 0.00017%; no homozygotes.

Submission:

Labcorp Genetics (formerly Invitae), Labcorp
Classification: Uncertain significance for Aicardi-Goutieres syndrome 5. Last evaluated: 2021-04-13. Review status: criteria provided, single submitter. Criteria: Invitae Variant Classification Sherloc (09022015). Collection method: clinical testing. Allele origin: germline.
Comment: In summary, the available evidence is currently insufficient to determine the role of this variant in disease. Therefore, it has been classified as a Variant of Uncertain Significance. Algorithms developed to predict the effect of missense changes on protein structure and function (SIFT, PolyPhen-2, Align-GVGD) all suggest that this variant is likely to be tolerated, but these predictions have not been confirmed by published functional studies and their clinical significance is uncertain. This variant has not been reported in the literature in individuals with SAMHD1-related conditions. This variant is not present in population databases (ExAC no frequency). This sequence change replaces methionine with isoleucine at codon 362 of the SAMHD1 protein (p.Met362Ile). The methionine residue is moderately conserved and there is a small physicochemical difference between methionine and isoleucine.